The following is an entry in ClinVar:

NM_001330260.2(SCN8A):c.5167C>A (p.Leu1723Ile)

Gene: SCN8A (sodium voltage-gated channel alpha subunit 8; plus strand). Cytogenetic location: 12q13.13.
Variant type: single nucleotide variant.
Coding change: c.5167C>A on transcript NM_001330260.2 (MANE Select); coding-DNA position 5167, C replaced by A.
Protein change: p.Leu1723Ile; replaces leucine 1723 with isoleucine.
Molecular consequence: missense variant.
Genome position (GRCh38, 1-based): chr12:51,806,653, C>A. VCF-style: chr12-51806653-C-A. GRCh37 (hg19) VCF-style: chr12-52200437-C-A.
Other names: c.5044C>A, p.Leu1682Ile (NM_001177984.3, NM_001369788.1); c.5167C>A, p.Leu1723Ile (NM_014191.4); short protein forms L1682I, L1723I.
Identifiers: ClinVar variation 2170312 (VCV002170312.4), dbSNP rs1031935135, ClinGen allele CA384884111.

ClinVar aggregate classification (germline): Uncertain significance (1 of 4 stars; one submission).

Conditions:
Early-infantile DEE. Also called: Ohtahara syndrome; Early infantile epileptic encephalopathy with suppression bursts; Early infantile epileptic encephalopathy. Identifiers: Orphanet 1934, MedGen C0393706, MONDO:0800491.

gnomAD v4.1: 4 of 1,614,074 alleles (0.00025%); highest among the groups gnomAD compares: South Asian, 0.0044%; no homozygotes.

Submission:

Labcorp Genetics (formerly Invitae), Labcorp
Classification: Uncertain significance for Early-infantile DEE. Last evaluated: 2022-10-25. Review status: criteria provided, single submitter. Criteria: Invitae Variant Classification Sherloc (09022015). Collection method: clinical testing. Allele origin: germline.
Comment: This sequence change replaces leucine, which is neutral and non-polar, with isoleucine, which is neutral and non-polar, at codon 1723 of the SCN8A protein (p.Leu1723Ile). In summary, the available evidence is currently insufficient to determine the role of this variant in disease. Therefore, it has been classified as a Variant of Uncertain Significance. Advanced modeling of protein sequence and biophysical properties (such as structural, functional, and spatial information, amino acid conservation, physicochemical variation, residue mobility, and thermodynamic stability) performed at Invitae indicates that this missense variant is not expected to disrupt SCN8A protein function. This variant has not been reported in the literature in individuals affected with SCN8A-related conditions. This variant is present in population databases (no rsID available, gnomAD 0.003%).